The following is an entry in ClinVar:

ClinVar aggregate classification (germline): Uncertain significance (1 of 4 stars; one submission).

Conditions:
Charcot-Marie-Tooth disease, type I (CMT1). Also called: Charcot-Marie-Tooth disease type 1; Charcot-Marie-Tooth, Type 1. Identifiers: Orphanet 65753, MedGen C0751036, MONDO:0019011.

Submission:

Labcorp Genetics (formerly Invitae), Labcorp
Classification: Uncertain significance for Charcot-Marie-Tooth disease, type I. Last evaluated: 2016-12-25. Review status: criteria provided, single submitter. Criteria: Invitae Variant Classification Sherloc (09022015). Collection method: clinical testing. Allele origin: germline.
Comment: This sequence change replaces tryptophan with arginine at codon 66 of the MPZ protein (p.Trp66Arg). The tryptophan residue is highly conserved and there is a moderate physicochemical difference between tryptophan and arginine. This variant is not present in population databases (ExAC no frequency) and has not been reported in the literature in individuals with an MPZ-related disease. Algorithms developed to predict the effect of missense changes on protein structure and function (SIFT, PolyPhen-2, Align-GVGD) all suggest that this variant is likely to be disruptive, but these predictions have not been confirmed by published functional studies. In summary, this variant is a novel missense change with uncertain impact on protein function. It has been classified as a Variant of Uncertain Significance.

NM_000530.8(MPZ):c.196T>C (p.Trp66Arg)

Gene: MPZ (myelin protein zero; minus strand). Cytogenetic location: 1q23.3.
Variant type: single nucleotide variant.
Coding change: c.196T>C on transcript NM_000530.8 (MANE Select); coding-DNA position 196, T replaced by C.
Protein change: p.Trp66Arg; replaces tryptophan 66 with arginine.
Molecular consequence: missense variant.
Genome position (GRCh38, 1-based): chr1:161,307,296, A>G on the plus strand (T>C on the coding strand, the complement: MPZ is on the minus strand). VCF-style: chr1-161307296-A-G. GRCh37 (hg19) VCF-style: chr1-161277086-A-G.
Other names: c.196T>C, p.Trp66Arg (NM_001315491.2); c.196T>C (LRG_256t1); short protein forms W66R.
Identifiers: ClinVar variation 411671 (VCV000411671.8), dbSNP rs1060503421, ClinGen allele CA16609898.
Genomic context (GRCh38, chr1:161,307,296, plus strand): 5'-CAGGATTCCCCCAGGCACTCACCGAAATGGCATCTCTGCCCCCTTCGGGCTGGTAGCGCC[A>G]GGTGAAGGAGATGTCATCTGAGACCCACTCACTGGACCAGAAGGAGCAGTGCAGGGTCAC-3'
Protein context (NP_000521.2, residues 56-76): EWVSDDISFT[Trp66Arg]RYQPEGGRDA